The following is an entry in ClinVar:

NM_000322.5(PRPH2):c.483C>T (p.Ile161=)

Gene: PRPH2 (peripherin 2; minus strand). Cytogenetic location: 6p21.1.
Variant type: single nucleotide variant.
Coding change: c.483C>T on transcript NM_000322.5 (MANE Select); coding-DNA position 483, C replaced by T.
Protein change: p.Ile161=; no amino-acid change (isoleucine 161 retained).
Molecular consequence: synonymous variant.
Genome position (GRCh38, 1-based): chr6:42,721,852, G>A on the plus strand (C>T on the coding strand, the complement: PRPH2 is on the minus strand). VCF-style: chr6-42721852-G-A. GRCh37 (hg19) VCF-style: chr6-42689590-G-A.
Identifiers: ClinVar variation 909080 (VCV000909080.22), dbSNP rs76989855, ClinGen allele CA3808605.

ClinVar aggregate classification (germline): Benign/Likely benign. Review status: criteria provided, multiple submitters, no conflicts (2 of 4 stars). 11 submissions from 6 submitters: Benign (5); Likely benign (6). Last evaluated 2026-03-01.

Conditions:
Pigmentary retinal dystrophy. Also called: Fundus albipunctatus. Identifiers: Orphanet 227796, Orphanet 52427, MedGen C0311338, MONDO:0007639, OMIM 136880, HP:0030642.
Cone-rod dystrophy. Also called: Cone-rod degeneration; Cone/cone-rod dystrophy. Identifiers: Orphanet 1872, MedGen C4085590, MONDO:0015993, HP:0000548.
Patterned macular dystrophy 1. Also called: BUTTERFLY DYSTROPHY OF RETINAL PIGMENT EPITHELIUM; MACULAR DYSTROPHY, BUTTERFLY-SHAPED PIGMENTARY. Identifiers: Orphanet 99001, MedGen C4551999, MONDO:0008210, OMIM 169150.
Retinitis pigmentosa 7 (RP7). Identifiers: Orphanet 791, MedGen C1842475, MONDO:0011974, OMIM 608133.
Choroidal dystrophy, central areolar 2 (CACD2). Also called: MACULAR DYSTROPHY, PROGRESSIVE; Choriodal Dystrophy, Central Areolar 2. Identifiers: Orphanet 75377, MedGen C2751290, MONDO:0013137, OMIM 613105.
Vitelliform macular dystrophy 3 (VMD3). Also called: PRPH2 vitelliform macular dystrophy; vitelliform macular dystrophy caused by mutation in PRPH2. Identifiers: MedGen CN295869, MONDO:0024561, OMIM 608161.
PRPH2-related disorder. Also called: PRPH2-related condition; PRPH2-related disorders. Identifiers: MedGen CN239395.
Retinitis pigmentosa (RP). Identifiers: Orphanet 791, MedGen C0035334, MeSH D012174, MONDO:0019200, OMIM 268000. Inheritance: Autosomal dominant, autosomal recessive and X linked inheritance.
Adult-onset foveomacular vitelliform dystrophy. Also called: FOVEOMACULAR DYSTROPHY, ADULT-ONSET, WITH OR WITHOUT CHOROIDAL NEOVASCULARIZATION; Adult onset vitelliform dystrophy; FOVEOMACULAR DYSTROPHY, ADULT-ONSET. Identifiers: Orphanet 99000, MedGen C1842914, MONDO:0011979.

Allele frequency attached by ClinVar (database versions not stated): 1000 Genomes Project 0.00160; 1000 Genomes Project 30x 0.00203; TOPMed 0.00224; ESP Exome Variant Server 0.00315.
gnomAD v4.1: 752 of 1,614,192 alleles (0.047%); highest among the groups gnomAD compares: African/African-American, 0.63%; 4 homozygotes.

Submissions (11):

CeGaT Center for Human Genetics Tuebingen
Classification: Likely benign. Last evaluated: 2026-03-01. Review status: criteria provided, single submitter. Criteria: CeGaT Center For Human Genetics Tuebingen Variant Classification Criteria Version 2. Collection method: clinical testing. Allele origin: germline. Affected: yes. Observed: 1 variant allele.
Comment: PRPH2: BP4, BP7

Labcorp Genetics (formerly Invitae), Labcorp
Classification: Benign for PRPH2-related disorder. Last evaluated: 2026-02-02. Review status: criteria provided, single submitter. Criteria: Invitae Variant Classification Sherloc (09022015). Collection method: clinical testing. Allele origin: germline.

Blueprint Genetics
Classification: Likely benign. Last evaluated: 2024-11-04. Review status: criteria provided, single submitter. Criteria: ACMG Guidelines, 2015. Collection method: clinical testing. Allele origin: germline.

Fulgent Genetics
Classification: Likely benign for Pigmentary retinal dystrophy; Patterned macular dystrophy 1; Retinitis pigmentosa 7; Vitelliform macular dystrophy 3; Choroidal dystrophy, central areolar 2. Last evaluated: 2021-11-10. Review status: criteria provided, single submitter. Criteria: ACMG Guidelines, 2015. Collection method: clinical testing. Allele origin: unknown.

Illumina Laboratory Services, Illumina
Classification: Benign for Vitelliform macular dystrophy 3. Last evaluated: 2018-03-06. Review status: criteria provided, single submitter. Criteria: ICSL Variant Classification Criteria 13 December 2019. Collection method: clinical testing. Allele origin: germline.
Comment: This variant was observed in the ICSL laboratory as part of a predisposition screen in an ostensibly healthy population. It had not been previously curated by ICSL or reported in the Human Gene Mutation Database (HGMD: prior to June 1st, 2018), and was therefore a candidate for classification through an automated scoring system. Utilizing variant allele frequency, disease prevalence and penetrance estimates, and inheritance mode, an automated score was calculated to assess if this variant is too frequent to cause the disease. Based on the score and internal cut-off values, a variant classified as benign is not then subjected to further curation. The score for this variant resulted in a classification of benign for this disease.

Illumina Laboratory Services, Illumina
Classification: Likely benign for Patterned macular dystrophy 1. Last evaluated: 2018-03-06. Review status: criteria provided, single submitter. Criteria: ICSL Variant Classification Criteria 13 December 2019. Collection method: clinical testing. Allele origin: germline.
Comment: This variant was observed in the ICSL laboratory as part of a predisposition screen in an ostensibly healthy population. It had not been previously curated by ICSL or reported in the Human Gene Mutation Database (HGMD: prior to June 1st, 2018), and was therefore a candidate for classification through an automated scoring system. Utilizing variant allele frequency, disease prevalence and penetrance estimates, and inheritance mode, an automated score was calculated to assess if this variant is too frequent to cause the disease. Based on the score and internal cut-off values, a variant classified as likely benign is not then subjected to further curation. The score for this variant resulted in a classification of likely benign for this disease.

Illumina Laboratory Services, Illumina
Classification: Benign for Cone-rod dystrophy. Last evaluated: 2018-03-06. Review status: criteria provided, single submitter. Criteria: ICSL Variant Classification Criteria 13 December 2019. Collection method: clinical testing. Allele origin: germline.
Comment: the same text as in the submission from Illumina Laboratory Services, Illumina above.

Illumina Laboratory Services, Illumina
Classification: Benign for Choroidal dystrophy, central areolar 2. Last evaluated: 2018-03-06. Review status: criteria provided, single submitter. Criteria: ICSL Variant Classification Criteria 13 December 2019. Collection method: clinical testing. Allele origin: germline.
Comment: the same text as in the submission from Illumina Laboratory Services, Illumina above.

Illumina Laboratory Services, Illumina
Classification: Likely benign for Pigmentary retinal dystrophy. Last evaluated: 2018-03-06. Review status: criteria provided, single submitter. Criteria: ICSL Variant Classification Criteria 13 December 2019. Collection method: clinical testing. Allele origin: germline.
Comment: the same text as in the submission from Illumina Laboratory Services, Illumina above.

Illumina Laboratory Services, Illumina
Classification: Likely benign for Retinitis pigmentosa. Last evaluated: 2018-03-06. Review status: criteria provided, single submitter. Criteria: ICSL Variant Classification Criteria 13 December 2019. Collection method: clinical testing. Allele origin: germline.
Comment: the same text as in the submission from Illumina Laboratory Services, Illumina above.

GeneDx
Classification: Benign. Last evaluated: 2015-03-03. Review status: criteria provided, single submitter. Criteria: GeneDx Variant Classification Process June 2021. Collection method: clinical testing. Allele origin: germline. Affected: yes.